The following is an entry in ClinVar:

NM_001378454.1(ALMS1):c.8724_8726del (p.Gln2909del)

Gene: ALMS1 (ALMS1 centrosome and basal body associated protein; plus strand). Cytogenetic location: 2p13.1.
Variant type: Deletion.
Coding change: c.8724_8726del on transcript NM_001378454.1 (MANE Select); coding-DNA positions 8724 to 8726, 3 bases deleted (TCA; older notation c.8724_8726delTCA).
Protein change: p.Gln2909del; deletes glutamine 2909.
Molecular consequence: inframe deletion.
Genome position (GRCh38, 1-based): chr2:73,490,683-73,490,685, TCA deleted. VCF-style (leftmost placement, unchanged base first): chr2-73490682-CTCA-C. GRCh37 (hg19) VCF-style: chr2-73717809-CTCA-C.
Other names: c.8727_8729delTCA (NM_015120.4); c.8727_8729del, p.Gln2910del (NM_015120.4); short protein forms Q2909del, Q2910del.
Identifiers: ClinVar variation 4982318 (VCV004982318.1).

ClinVar aggregate classification (germline): Uncertain significance (1 of 4 stars; one submission).

Conditions:
ALMS1-related disorder. Also called: ALMS1-related condition.

Submission:

PreventionGenetics, part of Exact Sciences
Classification: Uncertain significance for ALMS1-related condition. Last evaluated: 2026-09-09. Review status: criteria provided, single submitter. Criteria: ACMG Guidelines, 2015. Collection method: clinical testing. Allele origin: germline.
Comment: The ALMS1 c.8727_8729delTCA variant is predicted to result in an in-frame deletion (p.His2909del). To our knowledge, this variant has not been reported in the literature. This variant is reported in 0.0065% of alleles in individuals of African descent in gnomAD. At this time, the clinical significance of this variant is uncertain due to the absence of conclusive functional and genetic evidence.